The following is an entry in ClinVar:

ClinVar aggregate classification (germline): Benign (1 of 4 stars; one submission).

Allele frequency attached by ClinVar (database versions not stated): 1000 Genomes Project 30x 0.21705; 1000 Genomes Project 0.22085; TOPMed 0.22110; gnomAD 0.22655 and 0.22940.
gnomAD v4.1: 34,808 of 152,000 alleles (23%); highest among the groups gnomAD compares: East Asian, 30%; 4,336 homozygotes.

Submission:

GeneDx
Classification: Benign. Last evaluated: 2018-06-15. Review status: criteria provided, single submitter. Criteria: GeneDx Variant Classification (06012015). Collection method: clinical testing. Allele origin: germline. Affected: yes.
Comment: This variant is considered likely benign or benign based on one or more of the following criteria: it is a conservative change, it occurs at a poorly conserved position in the protein, it is predicted to be benign by multiple in silico algorithms, and/or has population frequency not consistent with disease.

NM_001943.5(DSG2):c.691-207G>A

Gene: DSG2 (desmoglein 2; plus strand). Cytogenetic location: 18q12.1.
Variant type: single nucleotide variant.
Coding change: c.691-207G>A on transcript NM_001943.5 (MANE Select); 207 bases into the intron before coding-DNA position 691, G replaced by A.
Molecular consequence: intron variant.
Genome position (GRCh38, 1-based): chr18:31,524,241, G>A. VCF-style: chr18-31524241-G-A. GRCh37 (hg19) VCF-style: chr18-29104204-G-A.
Identifiers: ClinVar variation 672201 (VCV000672201.1), dbSNP rs3737375, ClinGen allele CA16554099.